The following is an entry in ClinVar:

NM_030662.4(MAP2K2):c.1139C>T (p.Ala380Val)

Gene: MAP2K2 (mitogen-activated protein kinase kinase 2; minus strand). Cytogenetic location: 19p13.3.
Variant type: single nucleotide variant.
Coding change: c.1139C>T on transcript NM_030662.4 (MANE Select); coding-DNA position 1139, C replaced by T.
Protein change: p.Ala380Val; replaces alanine 380 with valine.
Molecular consequence: missense variant.
Genome position (GRCh38, 1-based): chr19:4,090,662, G>A on the plus strand (C>T on the coding strand, the complement: MAP2K2 is on the minus strand). VCF-style: chr19-4090662-G-A. GRCh37 (hg19) VCF-style: chr19-4090660-G-A.
Other names: short protein forms A380V.
Identifiers: ClinVar variation 3870094 (VCV003870094.2).

ClinVar aggregate classification (germline): Uncertain significance. Review status: criteria provided, multiple submitters, no conflicts (2 of 4 stars). 2 submissions from 2 submitters: Uncertain significance (2). Last evaluated 2025-10-29.

Conditions:
Cardiovascular phenotype. Identifiers: MedGen CN230736.
RASopathy. Also called: rasopathies; Noonan spectrum disorder. Identifiers: Orphanet 536391, MedGen C5555857, MONDO:0021060.

gnomAD v4.1: 3 of 1,559,248 alleles (0.00019%); highest among the groups gnomAD compares: Non-Finnish European, 0.00026%; no homozygotes.

Submissions (2):

Labcorp Genetics (formerly Invitae), Labcorp
Classification: Uncertain significance for RASopathy. Last evaluated: 2025-10-29. Review status: criteria provided, single submitter. Criteria: Invitae Variant Classification Sherloc (09022015). Collection method: clinical testing. Allele origin: germline.
Comment: This sequence change replaces alanine, which is neutral and non-polar, with valine, which is neutral and non-polar, at codon 380 of the MAP2K2 protein (p.Ala380Val). This variant is not present in population databases (gnomAD no frequency). This variant has not been reported in the literature in individuals affected with MAP2K2-related conditions. ClinVar contains an entry for this variant (Variation ID: 3870094). Invitae Evidence Modeling of protein sequence and biophysical properties (such as structural, functional, and spatial information, amino acid conservation, physicochemical variation, residue mobility, and thermodynamic stability) indicates that this missense variant is not expected to disrupt MAP2K2 protein function with a negative predictive value of 95%. In summary, the available evidence is currently insufficient to determine the role of this variant in disease. Therefore, it has been classified as a Variant of Uncertain Significance.

Ambry Genetics
Classification: Uncertain significance for Cardiovascular phenotype. Last evaluated: 2024-12-17. Review status: criteria provided, single submitter. Criteria: Ambry Variant Classification Scheme 2023. Collection method: clinical testing. Allele origin: germline.
Comment: The p.A380V variant (also known as c.1139C>T), located in coding exon 11 of the MAP2K2 gene, results from a C to T substitution at nucleotide position 1139. The alanine at codon 380 is replaced by valine, an amino acid with similar properties. This amino acid position is conserved. In addition, the in silico prediction for this alteration is inconclusive. Based on the available evidence, the clinical significance of this variant remains unclear.